The following is an entry in ClinVar:

ClinVar aggregate classification (germline): Uncertain significance (1 of 4 stars; one submission).

Submission:

GeneDx
Classification: Uncertain significance. Last evaluated: 2022-03-09. Review status: criteria provided, single submitter. Criteria: GeneDx Variant Classification Process June 2021. Collection method: clinical testing. Allele origin: germline. Affected: yes.
Comment: Not observed at significant frequency in large population cohorts (gnomAD); In silico analysis supports that this missense variant does not alter protein structure/function; Has not been previously published as pathogenic or benign to our knowledge

NM_006662.3(SRCAP):c.9358A>G (p.Thr3120Ala)

Gene: SRCAP (Snf2 related CREBBP activator protein; plus strand). Cytogenetic location: 16p11.2.
Variant type: single nucleotide variant.
Coding change: c.9358A>G on transcript NM_006662.3 (MANE Select); coding-DNA position 9358, A replaced by G.
Protein change: p.Thr3120Ala; replaces threonine 3120 with alanine.
Molecular consequence: missense variant.
Genome position (GRCh38, 1-based): chr16:30,739,398, A>G. VCF-style: chr16-30739398-A-G. GRCh37 (hg19) VCF-style: chr16-30750719-A-G.
Other names: short protein forms T3120A.
Identifiers: ClinVar variation 1704706 (VCV001704706.2), dbSNP rs2543431598, ClinGen allele CA395644259.